The following is an entry in ClinVar:

ClinVar aggregate classification (germline): Uncertain significance. Review status: criteria provided, multiple submitters, no conflicts (2 of 4 stars). 2 submissions from 2 submitters: Uncertain significance (2). Last evaluated 2026-01-21.

Conditions:
Lymphedema. Also called: Lymphoedema. Identifiers: MedGen C0024236, MONDO:0019297, HP:0001004.

Allele frequency attached by ClinVar (database versions not stated): ExAC 0.00006; gnomAD exomes 0.00002.

Submissions (2):

Labcorp Genetics (formerly Invitae), Labcorp
Classification: Uncertain significance. Last evaluated: 2026-01-21. Review status: criteria provided, single submitter. Criteria: Invitae Variant Classification Sherloc (09022015). Collection method: clinical testing. Allele origin: germline.
Comment: This sequence change replaces arginine, which is basic and polar, with histidine, which is basic and polar, at codon 1006 of the DCHS1 protein (p.Arg1006His). This variant is present in population databases (rs761692505, gnomAD 0.02%). This variant has not been reported in the literature in individuals affected with DCHS1-related conditions. ClinVar contains an entry for this variant (Variation ID: 2672218). Invitae Evidence Modeling of protein sequence and biophysical properties (such as structural, functional, and spatial information, amino acid conservation, physicochemical variation, residue mobility, and thermodynamic stability) indicates that this missense variant is expected to disrupt DCHS1 protein function with a positive predictive value of 80%. In summary, the available evidence is currently insufficient to determine the role of this variant in disease. Therefore, it has been classified as a Variant of Uncertain Significance.

Clinical Genomics Laboratory, Washington University in St. Louis
Classification: Uncertain significance for Lymphedema. Last evaluated: 2023-08-21. Review status: criteria provided, single submitter. Criteria: ACMG Guidelines, 2015. Collection method: clinical testing. Allele origin: germline.
Comment: The DCHS1 c.3017G>A (p.Arg1006His) variant was identified at a near heterozygous allelic fraction. The DCHS1 c.3017G>A (p.Arg1006His) variant has not been reported in the literature in an individual with lymphatic malformation but has been reported in one individual with an intellectual disability (Agha Z et al., PMID: 25405613) and in one case in the cancer database COSMIC (Genomic Mtation ID: COSV55035014). The DCHS1 c.3017G>A (p.Arg1006His) variant is only observed on 4/152190 alleles in the general population (gnomAD v.2.1.1), indicating it is not a common variant. Computational predictors suggest that the variant does not impact DCHS1 function. Due to limited information and based on ACMG/AMP guidelines for variant interpretation (Richards S et al., PMID: 25741868), the clinical significance of this variant is uncertain at this time.

NM_003737.4(DCHS1):c.3017G>A (p.Arg1006His)

Gene: DCHS1 (dachsous cadherin-related 1; minus strand). Cytogenetic location: 11p15.4.
Variant type: single nucleotide variant.
Coding change: c.3017G>A on transcript NM_003737.4 (MANE Select); coding-DNA position 3017, G replaced by A.
Protein change: p.Arg1006His; replaces arginine 1006 with histidine.
Molecular consequence: missense variant.
Genome position (GRCh38, 1-based): chr11:6,632,495, C>T on the plus strand (G>A on the coding strand, the complement: DCHS1 is on the minus strand). VCF-style: chr11-6632495-C-T. GRCh37 (hg19) VCF-style: chr11-6653726-C-T.
Other names: short protein forms R1006H.
Identifiers: ClinVar variation 2672218 (VCV002672218.3), dbSNP rs761692505, ClinGen allele CA5860615.